The following is an entry in ClinVar:

ClinVar aggregate classification (germline): Uncertain significance (1 of 4 stars; one submission).

Conditions:
Charcot-Marie-Tooth disease, type I (CMT1). Also called: Charcot-Marie-Tooth, Type 1; Charcot-Marie-Tooth disease type 1. Identifiers: Orphanet 65753, MedGen C0751036, MONDO:0019011.

Submission:

Labcorp Genetics (formerly Invitae), Labcorp
Classification: Uncertain significance for Charcot-Marie-Tooth disease, type I. Last evaluated: 2015-05-22. Review status: criteria provided, single submitter. Criteria: Invitae Variant Classification Sherloc (09022015). Collection method: clinical testing. Allele origin: germline.
Comment: Algorithms developed to predict the effect of missense changes on protein structure and function do not agree on the potential impact of this missense change (SIFT: "Deleterious"; PolyPhen-2: "Benign"; Align-GVGD: "Class C65"). This variant has not been published in the literature and is not present in population databases. In summary, this is a novel missense change with uncertain impact on protein function. It has been classified as a Variant of Uncertain Significance. This sequence change replaces aspartic acid with tyrosine at codon 104 of the MPZ protein (p.Asp104Tyr). The aspartic acid residue is highly conserved and there is a large physicochemical difference between aspartic acid and tyrosine.

NM_000530.8(MPZ):c.310G>T (p.Asp104Tyr)

Gene: MPZ (myelin protein zero; minus strand). Cytogenetic location: 1q23.3.
Variant type: single nucleotide variant.
Coding change: c.310G>T on transcript NM_000530.8 (MANE Select); coding-DNA position 310, G replaced by T.
Protein change: p.Asp104Tyr; replaces aspartic acid 104 with tyrosine.
Molecular consequence: missense variant.
Genome position (GRCh38, 1-based): chr1:161,306,846, C>A on the plus strand (G>T on the coding strand, the complement: MPZ is on the minus strand). VCF-style: chr1-161306846-C-A. GRCh37 (hg19) VCF-style: chr1-161276636-C-A.
Other names: c.310G>T (LRG_256t1); c.310G>T, p.Asp104Tyr (NM_001315491.2); short protein forms D104Y.
Identifiers: ClinVar variation 216446 (VCV000216446.7), dbSNP rs777378929, ClinGen allele CA338924.